The following is an entry in ClinVar:

NM_004519.4(KCNQ3):c.91G>C (p.Gly31Arg)

Gene: KCNQ3 (potassium voltage-gated channel subfamily Q member 3; minus strand). Cytogenetic location: 8q24.22.
Variant type: single nucleotide variant.
Coding change: c.91G>C on transcript NM_004519.4 (MANE Select); coding-DNA position 91, G replaced by C.
Protein change: p.Gly31Arg; replaces glycine 31 with arginine.
Molecular consequence: missense variant.
Genome position (GRCh38, 1-based): chr8:132,480,442, C>G on the plus strand (G>C on the coding strand, the complement: KCNQ3 is on the minus strand). VCF-style: chr8-132480442-C-G. GRCh37 (hg19) VCF-style: chr8-133492689-C-G.
Other names: short protein forms G31R.
Identifiers: ClinVar variation 2823735 (VCV002823735.3), dbSNP rs1433483426, ClinGen allele CA372292912.

ClinVar aggregate classification (germline): Uncertain significance (1 of 4 stars; one submission).

Conditions:
Benign neonatal seizures. Also called: Convulsions benign familial neonatal dominant form; Autosomal dominant form of benign neonatal seizures; Benign familial neonatal epilepsy; Benign familial neonatal seizures; Benign neonatal familial convulsions. Identifiers: Orphanet 1949, MedGen C0220669, MONDO:0016027.

gnomAD v4.1: 1 of 1,417,182 alleles (0.000071%); highest among the groups gnomAD compares: Non-Finnish European, 0.000092%; no homozygotes.

Submission:

Labcorp Genetics (formerly Invitae), Labcorp
Classification: Uncertain significance for Benign neonatal seizures. Last evaluated: 2022-12-24. Review status: criteria provided, single submitter. Criteria: Invitae Variant Classification Sherloc (09022015). Collection method: clinical testing. Allele origin: germline.
Comment: In summary, the available evidence is currently insufficient to determine the role of this variant in disease. Therefore, it has been classified as a Variant of Uncertain Significance. Advanced modeling of protein sequence and biophysical properties (such as structural, functional, and spatial information, amino acid conservation, physicochemical variation, residue mobility, and thermodynamic stability) performed at Invitae indicates that this missense variant is not expected to disrupt KCNQ3 protein function. This variant has not been reported in the literature in individuals affected with KCNQ3-related conditions. This variant is not present in population databases (gnomAD no frequency). This sequence change replaces glycine, which is neutral and non-polar, with arginine, which is basic and polar, at codon 31 of the KCNQ3 protein (p.Gly31Arg).